The following is an entry in ClinVar:

ClinVar aggregate classification (germline): Pathogenic. Review status: reviewed by expert panel (3 of 4 stars). 5 submissions from 5 submitters: Pathogenic (1). 4 of the submissions do not count toward it. Last evaluated 2016-09-08.

Conditions:
Hereditary cancer-predisposing syndrome. Also called: Tumor predisposition; Hereditary neoplastic syndrome; Hereditary Cancer Syndrome; Neoplastic Syndromes, Hereditary. Identifiers: Orphanet 140162, MedGen C0027672, MeSH D009386, MONDO:0015356.
Hereditary breast ovarian cancer syndrome. Also called: Hereditary breast and/or ovarian cancer syndrome; Breast and ovarian cancer; Hereditary breast and ovarian cancer syndrome; Hereditary breast and ovarian cancer; Hereditary breast and ovarian cancer syndrome (HBOC); BRCA1- and BRCA2-Associated Hereditary Breast and Ovarian Cancer. Identifiers: Orphanet 145, MedGen C0677776, MeSH D061325, MONDO:0003582. Disease mechanism: loss of function.
Breast-ovarian cancer, familial, susceptibility to, 1 (BROVCA1). Also called: BRCA1 Hereditary Breast and Ovarian Cancer; OVARIAN CANCER, SUSCEPTIBILITY TO. Identifiers: Orphanet 145, MedGen C2676676, MONDO:0011450, OMIM 604370. Disease mechanism: loss of function.

Submissions (5):

Evidence-based Network for the Interpretation of Germline Mutant Alleles (ENIGMA)
Classification: Pathogenic for Breast-ovarian cancer, familial, susceptibility to, 1. Last evaluated: 2016-09-08. Review status: reviewed by expert panel. Criteria: ENIGMA BRCA1/2 Classification Criteria (2015). Collection method: curation. Allele origin: germline.
Comment: Variant allele predicted to encode a truncated non-functional protein.

Ambry Genetics
Classification: Pathogenic for Hereditary cancer-predisposing syndrome. Last evaluated: 2025-06-13. Review status: criteria provided, single submitter. Criteria: Ambry Variant Classification Scheme 2023. Collection method: clinical testing. Allele origin: germline. Not counted in ClinVar's aggregate classification.
Comment: The c.2273dupT pathogenic mutation, located in coding exon 9 of the BRCA1 gene, results from a duplication of T at nucleotide position 2273, causing a translational frameshift with a predicted alternate stop codon (p.L758Ffs*4). This variant is considered to be rare based on population cohorts in the Genome Aggregation Database (gnomAD). This alteration is expected to result in loss of function by premature protein truncation or nonsense-mediated mRNA decay. As such, this alteration is interpreted as a disease-causing mutation.

Baylor Genetics
Classification: Pathogenic for Breast-ovarian cancer, familial, susceptibility to, 1. Last evaluated: 2021-10-16. Review status: criteria provided, single submitter. Criteria: ACMG Guidelines, 2015. Collection method: clinical testing. Allele origin: unknown. Not counted in ClinVar's aggregate classification.

Labcorp Genetics (formerly Invitae), Labcorp
Classification: Pathogenic for Hereditary breast ovarian cancer syndrome. Last evaluated: 2019-04-14. Review status: criteria provided, single submitter. Criteria: Invitae Variant Classification Sherloc (09022015). Collection method: clinical testing. Allele origin: germline. Not counted in ClinVar's aggregate classification.
Comment: This sequence change creates a premature translational stop signal (p.Leu758Phefs*4) in the BRCA1 gene. It is expected to result in an absent or disrupted protein product. This variant is not present in population databases (ExAC no frequency). This variant has been reported in individuals in the Leiden Open-source Variation Database (PMID: 21520333). ClinVar contains an entry for this variant (Variation ID: 125552). Loss-of-function variants in BRCA1 are known to be pathogenic (PMID: 20104584). For these reasons, this variant has been classified as Pathogenic.

Breast Cancer Information Core (BIC) (BRCA1)
Classification: Pathogenic for Breast-ovarian cancer, familial 1. Last evaluated: 2002-05-29. Review status: no assertion criteria provided. Collection method: clinical testing. Allele origin: germline, unknown. Affected: yes. Observed: 2 variant alleles. Not counted in ClinVar's aggregate classification.

Literature cited by the submitters: PubMed 21520333 (cited by Labcorp Genetics (formerly Invitae), Labcorp); PubMed 20104584 (cited by Labcorp Genetics (formerly Invitae), Labcorp).

NM_007294.4(BRCA1):c.2273dup (p.Leu758fs)

Gene: BRCA1 (BRCA1 DNA repair associated; minus strand). Cytogenetic location: 17q21.31.
Variant type: Duplication.
Coding change: c.2273dup on transcript NM_007294.4 (MANE Select); coding-DNA position 2273, one base duplicated (T; older notation c.2273dupT).
Protein change: p.Leu758fs; shifts the reading frame from leucine 758.
Molecular consequence: frameshift variant. On other transcripts: intron variant (137).
Genome position (GRCh38, 1-based): chr17:43,093,258, A duplicated on the plus strand (T on the coding strand, the reverse complement: BRCA1 is on the minus strand); the first of 4 consecutive A bases (chr17:43,093,258-43,093,261); duplicating any one gives the same sequence. VCF-style (leftmost placement, unchanged base first): chr17-43093257-C-CA. GRCh37 (hg19) VCF-style: chr17-41245274-C-CA.
Other names: 2392insT; c.2273dup, p.Leu758fs (NM_007294.3, NM_001407581.1, NM_001407582.1 and 31 more transcripts); c.2273dupT (NM_007294.3); c.2060dup, p.Leu687fs (NM_001407571.1, NM_001407915.1, NM_001407916.1 and 9 more transcripts); c.2270dup, p.Leu757fs (NM_001407587.1, NM_001407590.1, NM_001407591.1 and 22 more transcripts); c.2264dup, p.Leu755fs (NM_001407646.1, NM_001407647.1); c.2192dup, p.Leu731fs (NM_001407659.1, NM_001407660.1, NM_001407661.1 and 1 more transcripts); c.2195dup, p.Leu732fs (NM_001407663.1, NM_001407653.1, NM_001407654.1 and 4 more transcripts); and 43 more; short protein forms L711fs, L758fs, L462fs, L687fs, L731fs, L631fs, L646fs, L647fs.
Identifiers: ClinVar variation 125552 (VCV000125552.19), dbSNP rs80357681, ClinGen allele CA001517.